The following is an entry in ClinVar:

NM_006231.4(POLE):c.5130_5136del (p.Asp1710fs)

Gene: POLE (DNA polymerase epsilon, catalytic subunit; minus strand). Cytogenetic location: 12q24.33.
Variant type: Deletion.
Coding change: c.5130_5136del on transcript NM_006231.4 (MANE Select); coding-DNA positions 5130 to 5136, 7 bases deleted (CCAAGCC; older notation c.5130_5136delCCAAGCC).
Protein change: p.Asp1710fs; shifts the reading frame from aspartic acid 1710.
Molecular consequence: frameshift variant.
Genome position (GRCh38, 1-based): chr12:132,642,214-132,642,220, GGCTTGG deleted on the plus strand (CCAAGCC on the coding strand, the reverse complement: POLE is on the minus strand). VCF-style (leftmost placement, unchanged base first): chr12-132642213-TGGCTTGG-T. GRCh37 (hg19) VCF-style: chr12-133218799-TGGCTTGG-T.
Other names: short protein forms D1710fs.
Identifiers: ClinVar variation 2821822 (VCV002821822.3), dbSNP rs2541883373, ClinGen allele CA2739277450.

ClinVar aggregate classification (germline): Pathogenic (1 of 4 stars; one submission).

Submission:

Labcorp Genetics (formerly Invitae), Labcorp
Classification: Pathogenic. Last evaluated: 2023-07-25. Review status: criteria provided, single submitter. Criteria: Invitae Variant Classification Sherloc (09022015). Collection method: clinical testing. Allele origin: germline.
Comment: This sequence change creates a premature translational stop signal (p.Asp1710Glufs*49) in the POLE gene. It is expected to result in an absent or disrupted protein product. Loss-of-function variants in POLE are known to be pathogenic (PMID: 23230001, 25948378, 30503519). This variant is not present in population databases (gnomAD no frequency). This variant has not been reported in the literature in individuals affected with POLE-related conditions. For these reasons, this variant has been classified as Pathogenic.

Literature cited by the submitters: PubMed 23230001; PubMed 25948378; PubMed 30503519.